The following is an entry in ClinVar:

NM_017433.5(MYO3A):c.3316G>A (p.Val1106Ile)

Gene: MYO3A (myosin IIIA; plus strand). Cytogenetic location: 10p12.1.
Variant type: single nucleotide variant.
Coding change: c.3316G>A on transcript NM_017433.5 (MANE Select); coding-DNA position 3316, G replaced by A.
Protein change: p.Val1106Ile; replaces valine 1106 with isoleucine.
Molecular consequence: missense variant.
Genome position (GRCh38, 1-based): chr10:26,170,457, G>A. VCF-style: chr10-26170457-G-A. GRCh37 (hg19) VCF-style: chr10-26459386-G-A.
Other names: short protein forms V1106I.
Identifiers: ClinVar variation 4537951 (VCV004537951.1).

ClinVar aggregate classification (germline): Uncertain significance (1 of 4 stars; one submission).

gnomAD v4.1: 21 of 1,613,572 alleles (0.0013%); highest among the groups gnomAD compares: African/African-American, 0.015%; no homozygotes.

Submission:

GeneDx
Classification: Uncertain significance. Last evaluated: 2025-06-09. Review status: criteria provided, single submitter. Criteria: GeneDx Variant Classification Process June 2021. Collection method: clinical testing. Allele origin: germline. Affected: yes.
Comment: In silico analysis suggests that this missense variant does not alter protein structure/function; Has not been previously published as pathogenic or benign to our knowledge